The following is an entry in ClinVar:

NM_000070.3(CAPN3):c.851_853del (p.Gly284del)

Gene: CAPN3 (calpain 3; plus strand). Cytogenetic location: 15q15.1.
Variant type: Deletion.
Coding change: c.851_853del on transcript NM_000070.3 (MANE Select); coding-DNA positions 851 to 853, 3 bases deleted (GGG; older notation c.851_853delGGG).
Protein change: p.Gly284del; deletes glycine 284.
Molecular consequence: intron variant (on NM_173087.2).
Genome position (GRCh38, 1-based): chr15:42,390,002-42,390,004, GGG deleted; deleting any 3 consecutive bases within chr15:42,390,000-42,390,004 gives the same sequence; the c. name uses the placement nearest the transcript's 3' end. VCF-style (leftmost placement, unchanged base first): chr15-42389999-TGGG-T. GRCh37 (hg19) VCF-style: chr15-42682197-TGGG-T.
Other names: c.851_853del, p.Gly284del (NM_024344.2); c.801+906_801+908del (NM_173087.2); short protein forms G284del.
Identifiers: ClinVar variation 3767291 (VCV003767291.2).

ClinVar aggregate classification (germline): Likely pathogenic (1 of 4 stars; one submission).

Conditions:
Autosomal recessive limb-girdle muscular dystrophy. Identifiers: Orphanet 102015, MedGen C2931907, MONDO:0015152.

Submission:

Clinical Genetics Laboratory, Skane University Hospital Lund
Classification: Likely pathogenic for Autosomal recessive limb-girdle muscular dystrophy. Last evaluated: 2026-09-17. Review status: criteria provided, single submitter. Criteria: ACMG Guidelines, 2015. Collection method: clinical testing. Allele origin: germline. Inheritance: Autosomal recessive inheritance. Affected: yes.
Comment: This variant was found together with a pathogenic variant in trans with matching phenotype. Classified according to ClinGen Limb Girdle Muscular Dystrophy Expert Panel Specifications to the ACMG/AMP Variant Interpretation Guidelines for CAPN3 Version 2.0: PM2_Supporting, PM3, PM4, PP4.